The following is an entry in ClinVar:

ClinVar aggregate classification (germline): Uncertain significance (1 of 4 stars; one submission).

Submission:

GeneDx
Classification: Uncertain significance. Last evaluated: 2026-03-31. Review status: criteria provided, single submitter. Criteria: GeneDx Variant Classification Process June 2021. Collection method: clinical testing. Allele origin: germline.
Comment: Not observed at significant frequency in large population cohorts (gnomAD); In silico analysis suggests that this missense variant does not alter protein structure/function; Has not been previously published as pathogenic or benign to our knowledge

NM_006662.3(SRCAP):c.3454G>T (p.Ala1152Ser)

Gene: SRCAP (Snf2 related CREBBP activator protein; plus strand). Cytogenetic location: 16p11.2.
Variant type: single nucleotide variant.
Coding change: c.3454G>T on transcript NM_006662.3 (MANE Select); coding-DNA position 3454, G replaced by T.
Protein change: p.Ala1152Ser; replaces alanine 1152 with serine.
Molecular consequence: missense variant.
Genome position (GRCh38, 1-based): chr16:30,721,389, G>T. VCF-style: chr16-30721389-G-T. GRCh37 (hg19) VCF-style: chr16-30732710-G-T.
Other names: short protein forms A1152S.
Identifiers: ClinVar variation 5018079 (VCV005018079.1).